The following is an entry in ClinVar:

NM_000080.4(CHRNE):c.1033-1G>C

Genes: CHRNE (cholinergic receptor nicotinic epsilon subunit; minus strand), LOC130060041 (ATAC-STARR-seq lymphoblastoid silent region 8050; plus strand). Cytogenetic location: 17p13.2.
Variant type: single nucleotide variant.
Coding change: c.1033-1G>C on transcript NM_000080.4 (MANE Select); the canonical splice acceptor site of the intron before coding-DNA position 1033, G replaced by C.
Molecular consequence: splice acceptor variant.
Genome position (GRCh38, 1-based): chr17:4,899,385, C>G on the plus strand (G>C on the coding strand, the complement: CHRNE is on the minus strand). VCF-style: chr17-4899385-C-G. GRCh37 (hg19) VCF-style: chr17-4802680-C-G.
Identifiers: ClinVar variation 420092 (VCV000420092.18), dbSNP rs755303686, ClinGen allele CA8314044.

ClinVar aggregate classification (germline): Pathogenic/Likely pathogenic. Review status: criteria provided, multiple submitters, no conflicts (2 of 4 stars). 8 submissions from 8 submitters: Pathogenic (5); Likely pathogenic (3). Last evaluated 2025-12-09.

Conditions:
Congenital myasthenic syndrome 4A. Also called: Myasthenic syndrome, congenital, 4a, slow-channel; MYASTHENIC SYNDROME, CONGENITAL, 4A, SLOW-CHANNEL, AUTOSOMAL RECESSIVE; CONGENITAL MYASTHENIC SYNDROME TYPE Ia1. Identifiers: Orphanet 590, MedGen C4225413, MONDO:0011600, OMIM 605809.
Congenital myasthenic syndrome (CMS). Also called: Congenital Myasthenic Syndromes. Identifiers: Orphanet 590, MedGen C0751882, MeSH D020294, MONDO:0018940.

Allele frequency attached by ClinVar (database versions not stated): gnomAD 0.00001; gnomAD exomes 0.00001 and 0.00002; TOPMed 0.00003; ExAC 0.00008.
gnomAD v4.1: 30 of 1,533,896 alleles (0.002%); highest among the groups gnomAD compares: Non-Finnish European, 0.0025%; no homozygotes.

Submissions (8):

Labcorp Genetics (formerly Invitae), Labcorp
Classification: Pathogenic for Congenital myasthenic syndrome 4A. Last evaluated: 2025-12-09. Review status: criteria provided, single submitter. Criteria: Invitae Variant Classification Sherloc (09022015). Collection method: clinical testing. Allele origin: germline.
Comment: This sequence change affects an acceptor splice site in intron 9 of the CHRNE gene. It is expected to disrupt RNA splicing. Variants that disrupt the donor or acceptor splice site typically lead to a loss of protein function (PMID: 16199547), and loss-of-function variants in CHRNE are known to be pathogenic (PMID: 22678886). The frequency data for this variant in the population databases is considered unreliable, as metrics indicate poor data quality at this position in the gnomAD database. Disruption of this splice site has been observed in individual(s) with clinical features of autosomal recessive congenital myasthenic syndrome (internal data). In at least one individual the data is consistent with being in trans (on the opposite chromosome) from a pathogenic variant. ClinVar contains an entry for this variant (Variation ID: 420092). Algorithms developed to predict the effect of sequence changes on RNA splicing suggest that this variant may disrupt the consensus splice site. For these reasons, this variant has been classified as Pathogenic.

Natera, Inc.
Classification: Pathogenic for Congenital myasthenic syndrome. Last evaluated: 2025-07-31. Review status: criteria provided, single submitter. Criteria: Natera Variant Classification Schema (03/2026). Collection method: clinical testing. Allele origin: germline.
Comment: The c.1033-1G>C variant in CHRNE is a canonical splice acceptor site variant predicted to affect pre-mRNA splicing, which may result in an abnormal transcript and altered protein product. This variant is expected to result in nonsense mediated decay, truncation, or a dysfunctional protein product. This variant is rare in the general population with a frequency below the threshold expected for the associated phenotype(s). This variant has been observed in one or more individuals affected with the associated recessive disease, as either homozygous or compound heterozygous with a second variant (PMID: 14532324). Functional studies show that this variant may disrupt protein function (PMID: 14532324). Given the available evidence, this variant is classified as Pathogenic.

Myriad Genetics, Inc.
Classification: Likely pathogenic for Congenital myasthenic syndrome. Last evaluated: 2025-05-30. Review status: criteria provided, single submitter. Criteria: Myriad Autosomal Dominant, Autosomal Recessive and X-Linked Classification Criteria (2023). Collection method: clinical testing. Allele origin: unknown.
Comment: NM_000080.3(CHRNE):c.1033-1G>C is a variant in a canonical splice site classified as likely pathogenic in the context of congenital myasthenic syndrome, CHRNE-related. c.1033-1G>C has been observed in cases with relevant disease (PMID: 14532324, 15951177). Relevant functional assessments of this variant are available in the literature (PMID: 14532324). c.1033-1G>C has not been observed in referenced population frequency databases. In summary, NM_000080.3(CHRNE):c.1033-1G>C is a variant in a canonical splice site in a gene where loss of function is a known mechanism of disease, is predicted to disrupt protein function, and has been observed more frequently in cases with the relevant disease than in healthy populations. Please note: this variant was assessed in the context of healthy population screening.

GeneDx
Classification: Pathogenic. Last evaluated: 2025-04-10. Review status: criteria provided, single submitter. Criteria: GeneDx Variant Classification Process June 2021. Collection method: clinical testing. Allele origin: germline. Affected: yes.
Comment: Canonical splice site variant predicted to result in a null allele in a gene for which loss of function is a known mechanism of disease; Not observed at significant frequency in large population cohorts (gnomAD); This variant is associated with the following publications: (PMID: 14532324)

Baylor Genetics
Classification: Pathogenic for Congenital myasthenic syndrome 4A. Last evaluated: 2024-02-06. Review status: criteria provided, single submitter. Criteria: ACMG Guidelines, 2015. Collection method: clinical testing. Allele origin: unknown.

Revvity Omics, Revvity
Classification: Likely pathogenic. Last evaluated: 2023-12-21. Review status: criteria provided, single submitter. Criteria: ACMG Guidelines, 2015. Collection method: clinical testing. Allele origin: germline.

Mayo Clinic Laboratories, Mayo Clinic
Classification: Likely pathogenic. Last evaluated: 2022-06-30. Review status: criteria provided, single submitter. Criteria: ACMG Guidelines, 2015. Collection method: clinical testing. Allele origin: germline. Observed: 1 variant allele.
Comment: PM2, PVS1_strong

Center for Pediatric Genomic Medicine, Children's Mercy Hospital and Clinics
Classification: Pathogenic. Last evaluated: 2017-05-15. Review status: criteria provided, single submitter. Criteria: ACMG Guidelines, 2015. Collection method: clinical testing. Allele origin: germline.

Literature cited by the submitters: PubMed 16199547 (cited by Labcorp Genetics (formerly Invitae), Labcorp); PubMed 22678886 (cited by Labcorp Genetics (formerly Invitae), Labcorp); PubMed 14532324 (cited by Natera, Inc. and Myriad Genetics, Inc.); PubMed 15951177 (cited by Myriad Genetics, Inc.).